The following is an entry in ClinVar:

NM_001430.5(EPAS1):c.1642G>A (p.Glu548Lys)

Gene: EPAS1 (endothelial PAS domain protein 1; plus strand). Cytogenetic location: 2p21.
Variant type: single nucleotide variant.
Coding change: c.1642G>A on transcript NM_001430.5 (MANE Select); coding-DNA position 1642, G replaced by A.
Protein change: p.Glu548Lys; replaces glutamic acid 548 with lysine.
Molecular consequence: missense variant.
Genome position (GRCh38, 1-based): chr2:46,380,314, G>A. VCF-style: chr2-46380314-G-A. GRCh37 (hg19) VCF-style: chr2-46607453-G-A.
Other names: short protein forms E548K.
Identifiers: ClinVar variation 3606123 (VCV003606123.2).

ClinVar aggregate classification (germline): Uncertain significance (1 of 4 stars; one submission).

gnomAD v4.1: 22 of 1,613,958 alleles (0.0014%); highest among the groups gnomAD compares: South Asian, 0.0044%; no homozygotes.

Submission:

Labcorp Genetics (formerly Invitae), Labcorp
Classification: Uncertain significance. Last evaluated: 2025-06-30. Review status: criteria provided, single submitter. Criteria: Invitae Variant Classification Sherloc (09022015). Collection method: clinical testing. Allele origin: germline.
Comment: This sequence change replaces glutamic acid, which is acidic and polar, with lysine, which is basic and polar, at codon 548 of the EPAS1 protein (p.Glu548Lys). This variant is present in population databases (rs150597114, gnomAD 0.006%). This variant has not been reported in the literature in individuals affected with EPAS1-related conditions. ClinVar contains an entry for this variant (Variation ID: 3606123). An algorithm developed to predict the effect of missense changes on protein structure and function (PolyPhen-2) suggests that this variant is likely to be disruptive. In summary, the available evidence is currently insufficient to determine the role of this variant in disease. Therefore, it has been classified as a Variant of Uncertain Significance.